The following is an entry in ClinVar:

NM_000094.4(COL7A1):c.5037A>T (p.Gly1679=)

Gene: COL7A1 (collagen type VII alpha 1 chain; minus strand). Cytogenetic location: 3p21.31.
Variant type: single nucleotide variant.
Coding change: c.5037A>T on transcript NM_000094.4 (MANE Select); coding-DNA position 5037, A replaced by T.
Protein change: p.Gly1679=; no amino-acid change (glycine 1679 retained).
Molecular consequence: synonymous variant.
Genome position (GRCh38, 1-based): chr3:48,580,596, T>A on the plus strand (A>T on the coding strand, the complement: COL7A1 is on the minus strand). VCF-style: chr3-48580596-T-A. GRCh37 (hg19) VCF-style: chr3-48618029-T-A.
Identifiers: ClinVar variation 3014115 (VCV003014115.3), dbSNP rs1215684759, ClinGen allele CA433540751.

ClinVar aggregate classification (germline): Uncertain significance (1 of 4 stars; one submission).

Allele frequency attached by ClinVar (database versions not stated): gnomAD 0.00001; TOPMed 0.00001; gnomAD exomes below 0.00001.
gnomAD v4.1: 4 of 1,613,762 alleles (0.00025%); highest among the groups gnomAD compares: African/African-American, 0.0053%; no homozygotes.

Submission:

Labcorp Genetics (formerly Invitae), Labcorp
Classification: Uncertain significance. Last evaluated: 2025-03-16. Review status: criteria provided, single submitter. Criteria: Invitae Variant Classification Sherloc (09022015). Collection method: clinical testing. Allele origin: germline.
Comment: This sequence change affects codon 1679 of the COL7A1 mRNA. It is a 'silent' change, meaning that it does not change the encoded amino acid sequence of the COL7A1 protein. The frequency data for this variant in the population databases is considered unreliable, as metrics indicate poor data quality at this position in the gnomAD database. This variant has not been reported in the literature in individuals affected with COL7A1-related conditions. ClinVar contains an entry for this variant (Variation ID: 3014115). Algorithms developed to predict the effect of sequence changes on RNA splicing suggest that this variant may disrupt the consensus splice site. In summary, the available evidence is currently insufficient to determine the role of this variant in disease. Therefore, it has been classified as a Variant of Uncertain Significance.